The following is an entry in ClinVar:

ClinVar aggregate classification (germline): Conflicting classifications of pathogenicity. Review status: criteria provided, conflicting classifications (1 of 4 stars). 5 submissions from 5 submitters: Uncertain significance (4); Likely benign (1). Last evaluated 2026-08-13.

Conditions:
RP1L1-related disorder. Also called: RP1L1-related condition.
Occult macular dystrophy (OCMD). Also called: OMD; OCCULT MACULAR DYSTROPHY, SUSCEPTIBILITY TO. Identifiers: Orphanet 247834, MedGen C3150833, MONDO:0013316, OMIM 613587, HP:0030636.

Allele frequency attached by ClinVar (database versions not stated): TOPMed 0.00006.
gnomAD v4.1: 173 of 1,614,024 alleles (0.011%); highest among the groups gnomAD compares: Non-Finnish European, 0.014%; no homozygotes.

Submissions (5):

GeneDx
Classification: Uncertain significance. Last evaluated: 2026-08-13. Review status: criteria provided, single submitter. Criteria: GeneDx Variant Classification Process June 2021. Collection method: clinical testing. Allele origin: germline.
Comment: In silico analysis supports that this missense variant has a deleterious effect on protein structure/function; Has not been previously published as pathogenic or benign to our knowledge

Labcorp Genetics (formerly Invitae), Labcorp
Classification: Uncertain significance. Last evaluated: 2025-03-27. Review status: criteria provided, single submitter. Criteria: Invitae Variant Classification Sherloc (09022015). Collection method: clinical testing. Allele origin: germline.
Comment: This sequence change replaces arginine, which is basic and polar, with serine, which is neutral and polar, at codon 56 of the RP1L1 protein (p.Arg56Ser). This variant is present in population databases (rs150931842, gnomAD 0.02%). This variant has not been reported in the literature in individuals affected with RP1L1-related conditions. ClinVar contains an entry for this variant (Variation ID: 909666). Invitae Evidence Modeling of protein sequence and biophysical properties (such as structural, functional, and spatial information, amino acid conservation, physicochemical variation, residue mobility, and thermodynamic stability) has been performed for this missense variant. However, the output from this modeling did not meet the statistical confidence thresholds required to predict the impact of this variant on RP1L1 protein function. In summary, the available evidence is currently insufficient to determine the role of this variant in disease. Therefore, it has been classified as a Variant of Uncertain Significance.

PreventionGenetics, part of Exact Sciences
Classification: Uncertain significance for RP1L1-related condition. Last evaluated: 2025-03-10. Review status: criteria provided, single submitter. Criteria: ACMG Guidelines, 2015. Collection method: clinical testing. Allele origin: germline.
Comment: The RP1L1 c.166C>A variant is predicted to result in the amino acid substitution p.Arg56Ser. To our knowledge, this variant has not been reported in the literature. This variant is reported in 0.016% of alleles in individuals of European (Non-Finnish) descent in gnomAD. Other variants at this amino acid position have not been reported in individuals with RP1L1-related disease. At this time, the clinical significance of this variant is uncertain due to the absence of conclusive functional and genetic evidence.

Blueprint Genetics
Classification: Uncertain significance. Last evaluated: 2023-12-22. Review status: criteria provided, single submitter. Criteria: ACMG Guidelines, 2015. Collection method: clinical testing. Allele origin: germline.

Illumina Laboratory Services, Illumina
Classification: Likely benign for Occult macular dystrophy. Last evaluated: 2018-01-12. Review status: criteria provided, single submitter. Criteria: ICSL Variant Classification Criteria 13 December 2019. Collection method: clinical testing. Allele origin: germline.
Comment: This variant was observed in the ICSL laboratory as part of a predisposition screen in an ostensibly healthy population. It had not been previously curated by ICSL or reported in the Human Gene Mutation Database (HGMD: prior to June 1st, 2018), and was therefore a candidate for classification through an automated scoring system. Utilizing variant allele frequency, disease prevalence and penetrance estimates, and inheritance mode, an automated score was calculated to assess if this variant is too frequent to cause the disease. Based on the score and internal cut-off values, a variant classified as likely benign is not then subjected to further curation. The score for this variant resulted in a classification of likely benign for this disease.

NM_178857.6(RP1L1):c.166C>A (p.Arg56Ser)

Gene: RP1L1 (RP1 like 1). Cytogenetic location: 8p23.1.
Variant type: single nucleotide variant.
Coding change: c.166C>A on transcript NM_178857.6 (MANE Select); coding-DNA position 166, C replaced by A.
Protein change: p.Arg56Ser; replaces arginine 56 with serine.
Molecular consequence: missense variant.
Genome position (GRCh38, 1-based): chr8:10,623,036, G>T on the plus strand (C>A on the coding strand, the complement: RP1L1 is on the minus strand). VCF-style: chr8-10623036-G-T. GRCh37 (hg19) VCF-style: chr8-10480546-G-T.
Other names: short protein forms R56S.
Identifiers: ClinVar variation 909666 (VCV000909666.15), dbSNP rs150931842, ClinGen allele CA4625848.
Genomic context (GRCh38, chr8:10,623,036, plus strand): 5'-AGGAGAGAGGCACGCGCTGGGAGAGCTCGTCCATGAGGGCGCTGAAGGTCTTAAAGGCGC[G>T]CTGGTGAACGGCCAGGCGGACCCCAGCAAACCGTGGATCCCCTCGCTTGAGGAAGGTGAT-3'
Protein context (NP_849188.4, residues 46-66): FAGVRLAVHQ[Arg56Ser]AFKTFSALMD